The following continues an entry in ClinVar:

NM_001846.4(COL4A2):c.2048G>C (p.Gly683Ala)

Gene: COL4A2. ClinVar aggregate classification (germline): Benign. Benign (6).

Submissions 31 to 40 of 40:

Dr. Peter K. Rogan Lab, Western University
No classification provided (evidence only). Condition: Adrenocortical carcinoma, hereditary. Review status: no classification provided. Collection method: in vitro. Allele origin: not applicable. Functional consequence: retained intron. Not counted in ClinVar's aggregate classification.

Dr. Peter K. Rogan Lab, Western University
No classification provided (evidence only). Condition: Adrenocortical carcinoma, hereditary. Review status: no classification provided. Collection method: in vitro. Allele origin: not applicable. Functional consequence: retained intron. Not counted in ClinVar's aggregate classification.

Dr. Peter K. Rogan Lab, Western University
No classification provided (evidence only). Condition: Adrenocortical carcinoma, hereditary. Review status: no classification provided. Collection method: in vitro. Allele origin: not applicable. Functional consequence: retained intron. Not counted in ClinVar's aggregate classification.

Dr. Peter K. Rogan Lab, Western University
No classification provided (evidence only). Condition: Uterine carcinosarcoma. Review status: no classification provided. Collection method: in vitro. Allele origin: not applicable. Functional consequence: retained intron. Not counted in ClinVar's aggregate classification.

Dr. Peter K. Rogan Lab, Western University
No classification provided (evidence only). Condition: Uterine carcinosarcoma. Review status: no classification provided. Collection method: in vitro. Allele origin: not applicable. Functional consequence: retained intron. Not counted in ClinVar's aggregate classification.

Dr. Peter K. Rogan Lab, Western University
No classification provided (evidence only). Condition: Uterine carcinosarcoma. Review status: no classification provided. Collection method: in vitro. Allele origin: not applicable. Functional consequence: retained intron. Not counted in ClinVar's aggregate classification.

Dr. Peter K. Rogan Lab, Western University
No classification provided (evidence only). Condition: Uterine carcinosarcoma. Review status: no classification provided. Collection method: in vitro. Allele origin: not applicable. Functional consequence: retained intron. Not counted in ClinVar's aggregate classification.

Dr. Peter K. Rogan Lab, Western University
No classification provided (evidence only). Condition: Uterine carcinosarcoma. Review status: no classification provided. Collection method: in vitro. Allele origin: not applicable. Functional consequence: retained intron. Not counted in ClinVar's aggregate classification.

Dr. Peter K. Rogan Lab, Western University
No classification provided (evidence only). Condition: Uterine carcinosarcoma. Review status: no classification provided. Collection method: in vitro. Allele origin: not applicable. Functional consequence: retained intron. Not counted in ClinVar's aggregate classification.

Dr. Peter K. Rogan Lab, Western University
No classification provided (evidence only). Condition: Uterine carcinosarcoma. Review status: no classification provided. Collection method: in vitro. Allele origin: not applicable. Functional consequence: retained intron. Not counted in ClinVar's aggregate classification.